The following is an entry in ClinVar:

ClinVar aggregate classification (germline): Conflicting classifications of pathogenicity. Review status: criteria provided, conflicting classifications (1 of 4 stars). 2 submissions from 2 submitters: Uncertain significance (1); Likely benign (1). Last evaluated 2023-03-27.

Allele frequency attached by ClinVar (database versions not stated): gnomAD 0.00001; gnomAD exomes 0.00001; ExAC 0.00002.
gnomAD v4.1: 5 of 1,610,242 alleles (0.00031%); highest among the groups gnomAD compares: East Asian, 0.0089%; no homozygotes.

Submissions (2):

Blueprint Genetics
Classification: Likely benign. Last evaluated: 2023-03-27. Review status: criteria provided, single submitter. Criteria: ACMG Guidelines, 2015. Collection method: clinical testing. Allele origin: germline.

GeneDx
Classification: Uncertain significance. Last evaluated: 2019-06-11. Review status: criteria provided, single submitter. Criteria: GeneDx Variant Classification Process June 2021. Collection method: clinical testing. Allele origin: germline. Affected: yes.
Comment: In silico analysis, which includes splice predictors and evolutionary conservation, supports that this variant does not alter protein structure/function; Has not been previously published as pathogenic or benign to our knowledge

NM_005996.4(TBX3):c.178C>T (p.Leu60=)

Genes: TBX3 (T-box transcription factor 3; minus strand), TBX3-AS1 (TBX3 antisense RNA 1; plus strand). Cytogenetic location: 12q24.21.
Variant type: single nucleotide variant.
Coding change: c.178C>T on transcript NM_005996.4 (MANE Select); coding-DNA position 178, C replaced by T.
Protein change: p.Leu60=; no amino-acid change (leucine 60 retained).
Molecular consequence: synonymous variant.
Genome position (GRCh38, 1-based): chr12:114,683,023, G>A on the plus strand (C>T on the coding strand, the complement: TBX3 is on the minus strand). VCF-style: chr12-114683023-G-A. GRCh37 (hg19) VCF-style: chr12-115120828-G-A.
Other names: c.178C>T, p.Leu60= (NM_016569.4).
Identifiers: ClinVar variation 1304611 (VCV001304611.3), dbSNP rs756033342, ClinGen allele CA6810253.